The following is an entry in ClinVar:

NM_001851.6(COL9A1):c.2676G>A (p.Pro892=)

Gene: COL9A1 (collagen type IX alpha 1 chain; minus strand). Cytogenetic location: 6q13.
Variant type: single nucleotide variant.
Coding change: c.2676G>A on transcript NM_001851.6 (MANE Select); coding-DNA position 2676, G replaced by A.
Protein change: p.Pro892=; no amino-acid change (proline 892 retained).
Molecular consequence: synonymous variant. On other transcripts: non-coding transcript variant (1).
Genome position (GRCh38, 1-based): chr6:70,216,987, C>T on the plus strand (G>A on the coding strand, the complement: COL9A1 is on the minus strand). VCF-style: chr6-70216987-C-T. GRCh37 (hg19) VCF-style: chr6-70926690-C-T.
Other names: c.1977G>A, p.Pro659= (NM_001377289.1); c.1800G>A, p.Pro600= (NM_001377290.1); c.1947G>A, p.Pro649= (NM_078485.4).
Identifiers: ClinVar variation 357798 (VCV000357798.11), dbSNP rs199845159, ClinGen allele CA3881697.
Genomic context (GRCh38, chr6:70,216,987, plus strand): 5'-CTGACCAGCCTGCATGGTGCAGGAGGCTGGCTCACAGAAACCGGGAAGCCCAGGAGGTCC[C>T]GGGGGTCCAGGCACTCCAGGAATTCCTGCCACCCCTGGGGGGCCTCGCTCACCGTCTCGG-3'
Protein context (NP_001842.3, residues 882-902): VAGIPGVPGP[Pro892=]GPPGLPGFCE

ClinVar aggregate classification (germline): Likely benign. Review status: criteria provided, multiple submitters, no conflicts (2 of 4 stars). 2 submissions from 2 submitters: Likely benign (2). Last evaluated 2025-07-29.

Conditions:
COL9A1-related disorder. Also called: COL9A1-related condition; COL9A1-related disorders.

Allele frequency attached by ClinVar (database versions not stated): ExAC 0.00001; gnomAD 0.00001 and 0.00002; gnomAD exomes 0.00001; TOPMed 0.00002; 1000 Genomes Project 0.00020; 1000 Genomes Project 30x 0.00031.

Submissions (2):

Labcorp Genetics (formerly Invitae), Labcorp
Classification: Likely benign. Last evaluated: 2025-07-29. Review status: criteria provided, single submitter. Criteria: Invitae Variant Classification Sherloc (09022015). Collection method: clinical testing. Allele origin: germline.

PreventionGenetics, part of Exact Sciences
Classification: Likely benign for COL9A1-related condition. Last evaluated: 2024-11-07. Review status: criteria provided, single submitter. Criteria: ACMG Guidelines, 2015. Collection method: clinical testing. Allele origin: germline.
Comment: This variant is classified as likely benign based on ACMG/AMP sequence variant interpretation guidelines (Richards et al. 2015 PMID: 25741868, with internal and published modifications).